The following is an entry in ClinVar:

NM_000298.6(PKLR):c.101-1G>A

Gene: PKLR (pyruvate kinase L/R; minus strand). Cytogenetic location: 1q22.
Variant type: single nucleotide variant.
Coding change: c.101-1G>A on transcript NM_000298.6 (MANE Select); the canonical splice acceptor site of the intron before coding-DNA position 101, G replaced by A.
Molecular consequence: splice acceptor variant.
Genome position (GRCh38, 1-based): chr1:155,300,281, C>T on the plus strand (G>A on the coding strand, the complement: PKLR is on the minus strand). VCF-style: chr1-155300281-C-T. GRCh37 (hg19) VCF-style: chr1-155270072-C-T.
Other names: c.8-1G>A (NM_181871.4).
Identifiers: ClinVar variation 811711 (VCV000811711.11), dbSNP rs1448381947, ClinGen allele CA342758852.
Genomic context (GRCh38, chr1:155,300,281, plus strand): 5'-CAGTGCCCAGCTCCTGGGTCAGTTGGGCCACACTGGCCCGCCGCAGATACCCCGCTGGCC[C>T]TGTGGTAGAAGGGGGCTCAGGGACTGCATGTCACCTGCCCTTCCTCCCCATGCCTTCGTC-3'

ClinVar aggregate classification (germline): Pathogenic. Review status: criteria provided, multiple submitters, no conflicts (2 of 4 stars). 2 submissions from 2 submitters: Pathogenic (2). Last evaluated 2023-11-19.

Allele frequency attached by ClinVar (database versions not stated): gnomAD exomes below 0.00001; gnomAD 0.00001.

Submissions (2):

Labcorp Genetics (formerly Invitae), Labcorp
Classification: Pathogenic. Last evaluated: 2023-11-19. Review status: criteria provided, single submitter. Criteria: Invitae Variant Classification Sherloc (09022015). Collection method: clinical testing. Allele origin: germline.
Comment: This sequence change affects an acceptor splice site in intron 1 of the PKLR gene. It is expected to disrupt RNA splicing. Variants that disrupt the donor or acceptor splice site typically lead to a loss of protein function (PMID: 16199547), and loss-of-function variants in PKLR are known to be pathogenic (PMID: 15953013, 26832193). This variant is not present in population databases (gnomAD no frequency). Disruption of this splice site has been observed in individual(s) with pyruvate kinase deficiency (PMID: 8180378). This variant is also known as intron A 3’term.g>a. ClinVar contains an entry for this variant (Variation ID: 811711). Algorithms developed to predict the effect of sequence changes on RNA splicing suggest that this variant may disrupt the consensus splice site. For these reasons, this variant has been classified as Pathogenic.

ARUP Laboratories, Molecular Genetics and Genomics, ARUP Laboratories
Classification: Pathogenic. Last evaluated: 2018-08-02. Review status: criteria provided, single submitter. Criteria: ARUP Molecular Germline Variant Investigation Process. Collection method: clinical testing. Allele origin: germline.

Literature cited by the submitters: PubMed 16199547 (cited by Labcorp Genetics (formerly Invitae), Labcorp); PubMed 15953013 (cited by Labcorp Genetics (formerly Invitae), Labcorp); PubMed 26832193 (cited by Labcorp Genetics (formerly Invitae), Labcorp); PubMed 8180378 (cited by Labcorp Genetics (formerly Invitae), Labcorp).